The following is an entry in ClinVar:

ClinVar aggregate classification (germline): Pathogenic/Likely pathogenic. Review status: criteria provided, multiple submitters, no conflicts (2 of 4 stars). 9 submissions from 9 submitters: Pathogenic (5); Likely pathogenic (1). 3 of the submissions do not count toward it. Last evaluated 2025-05-08.

Conditions:
Nephrotic syndrome. Identifiers: MedGen C0027726, MONDO:0005377, HP:0000100.
Finnish congenital nephrotic syndrome (NPHS1). Also called: NEPHROTIC SYNDROME, TYPE 1. Identifiers: Orphanet 839, MedGen C0403399, MONDO:0009732, OMIM 256300.

Allele frequency attached by ClinVar (database versions not stated): gnomAD exomes 0.00001; TOPMed 0.00001; ExAC 0.00002.
gnomAD v4.1: 9 of 1,611,992 alleles (0.00056%); highest among the groups gnomAD compares: South Asian, 0.0022%; no homozygotes.

Submissions (9):

Dasa
Classification: Pathogenic. Last evaluated: 2025-05-08. Review status: criteria provided, single submitter. Criteria: DASA Assertion Criteria. Collection method: clinical testing. Allele origin: germline.
Comment: NM_004646.4(NPHS1):c.2596C>T (p.Arg866*) introduces a premature termination codon predicted to result in loss of normal protein function. Loss-of-function is an established mechanism of disease for this gene. This variant has been reported in an affected individual with related phenotype in a genotype context consistent with recessive disease (PMID: 18503012). The variant is present at low frequency in population datasets. Based on the available data, this variant is classified as pathogenic.

Natera, Inc.
Classification: Pathogenic for Finnish congenital nephrotic syndrome. Last evaluated: 2024-09-18. Review status: criteria provided, single submitter. Criteria: Natera Variant Classification Schema (03/2026). Collection method: clinical testing. Allele origin: germline.
Comment: The c.2596C>T variant in NPHS1 is a nonsense variant predicted to introduce a stop codon at amino acid 866. This variant is expected to result in nonsense mediated decay, truncation, or a dysfunctional protein product. This variant is rare in the general population with a frequency below the threshold expected for the associated phenotype(s). This variant has been observed in one or more individuals affected with the associated recessive disease, as either homozygous or compound heterozygous with a second variant (PMID: 18503012). Given the available evidence, this variant is classified as Pathogenic.

Labcorp Genetics (formerly Invitae), Labcorp
Classification: Pathogenic. Last evaluated: 2024-02-19. Review status: criteria provided, single submitter. Criteria: Invitae Variant Classification Sherloc (09022015). Collection method: clinical testing. Allele origin: germline.
Comment: This sequence change creates a premature translational stop signal (p.Arg866*) in the NPHS1 gene. It is expected to result in an absent or disrupted protein product. Loss-of-function variants in NPHS1 are known to be pathogenic (PMID: 11317351, 11854170, 12039988). This variant is present in population databases (rs386833920, gnomAD 0.002%). This premature translational stop signal has been observed in individual(s) with congenital nephrotic syndrome (PMID: 18503012). ClinVar contains an entry for this variant (Variation ID: 56481). Algorithms developed to predict the effect of sequence changes on RNA splicing suggest that this variant may disrupt the consensus splice site. For these reasons, this variant has been classified as Pathogenic.

Baylor Genetics
Classification: Pathogenic for Finnish congenital nephrotic syndrome. Last evaluated: 2023-03-22. Review status: criteria provided, single submitter. Criteria: ACMG Guidelines, 2015. Collection method: clinical testing. Allele origin: unknown.

Women's Health and Genetics/Laboratory Corporation of America, LabCorp
Classification: Pathogenic for Finnish congenital nephrotic syndrome. Last evaluated: 2021-08-12. Review status: criteria provided, single submitter. Criteria: LabCorp Variant Classification Summary - May 2015. Collection method: clinical testing. Allele origin: germline.
Comment: Variant summary: NPHS1 c.2596C>T (p.Arg866X) results in a premature termination codon, predicted to cause a truncation of the encoded protein or absence of the protein due to nonsense mediated decay, which are commonly known mechanisms for disease. Truncations downstream of this position have been classified as pathogenic by our laboratory. The variant allele was found at a frequency of 8.1e-06 in 245462 control chromosomes. c.2596C>T has been reported in the literature in at-least one individual affected with Nephrotic Syndrome, Type 1 and has been subsequently cited by others (example, Heeringa_2008, Lovric_2014, Sadowski_2015, Machuca_2010). To our knowledge, no experimental evidence demonstrating an impact on protein function has been reported. Three clinical diagnostic laboratories have submitted clinical-significance assessments for this variant to ClinVar after 2014 without evidence for independent evaluation. All laboratories classified the variant as pathogenic (n=2)/likely pathogenic (n=1). Based on the evidence outlined above, the variant was classified as pathogenic.

Laboratorio de Genetica e Diagnostico Molecular, Hospital Israelita Albert Einstein
Classification: Likely pathogenic. Last evaluated: 2020-12-15. Review status: criteria provided, single submitter. Criteria: ACMG Guidelines, 2015. Collection method: clinical testing. Allele origin: germline. Affected: yes.
Comment: ACMG classification criteria: PVS1, PS4, PM2

Sydney Genome Diagnostics, Children's Hospital Westmead
Classification: Pathogenic for Nephrotic syndrome. Last evaluated: 2018-09-05. Review status: no assertion criteria provided. Collection method: clinical testing. Allele origin: unknown. Affected: yes. Observed: 1 variant allele, 1 compound heterozygote. Not counted in ClinVar's aggregate classification.
Comment: This variant (dbSNP: rs386833920) creates a premature stop codon (p.Arg866*), and may result in a null allele due to nonsense-mediated mRNA decay. This variant is considered to be a pathogenic according to the ACMG guidelines

Counsyl
Classification: Likely pathogenic for Finnish congenital nephrotic syndrome. Last evaluated: 2016-07-22. Review status: no assertion criteria provided. Collection method: clinical testing. Allele origin: unknown. Not counted in ClinVar's aggregate classification.

Juha Muilu Group; Institute for Molecular Medicine Finland (FIMM)
Classification: Likely pathogenic for Finnish congenital nephrotic syndrome. Review status: no assertion criteria provided. Collection method: not provided. Allele origin: unknown. Not counted in ClinVar's aggregate classification.
Comment: FinDis database variant: This variant was not found or characterized by our laboratory, data were collected from public sources: see reference
ClinVar note: Converted during submission from probable-pathogenic to Likely pathogenic.

Literature cited by the submitters: PubMed 18503012 (cited by 5 submitters); PubMed 11317351 (cited by Labcorp Genetics (formerly Invitae), Labcorp); PubMed 11854170 (cited by Labcorp Genetics (formerly Invitae), Labcorp); PubMed 12039988 (cited by Labcorp Genetics (formerly Invitae), Labcorp); PubMed 20507940 (cited by Women's Health and Genetics/Laboratory Corporation of America, LabCorp); PubMed 25349199 (cited by Women's Health and Genetics/Laboratory Corporation of America, LabCorp); PubMed 24742477 (cited by Women's Health and Genetics/Laboratory Corporation of America, LabCorp).

NM_004646.4(NPHS1):c.2596C>T (p.Arg866Ter)

Gene: NPHS1 (NPHS1 adhesion molecule, nephrin; minus strand). Cytogenetic location: 19q13.12.
Variant type: single nucleotide variant.
Coding change: c.2596C>T on transcript NM_004646.4 (MANE Select); coding-DNA position 2596, C replaced by T.
Protein change: p.Arg866Ter; replaces arginine 866 with a stop codon.
Molecular consequence: nonsense.
Genome position (GRCh38, 1-based): chr19:35,842,191, G>A on the plus strand (C>T on the coding strand, the complement: NPHS1 is on the minus strand). VCF-style: chr19-35842191-G-A. GRCh37 (hg19) VCF-style: chr19-36333093-G-A.
Other names: short protein forms R866*.
Identifiers: ClinVar variation 56481 (VCV000056481.21), dbSNP rs386833920, ClinGen allele CA250199.